The following is an entry in ClinVar:

NM_006265.3(RAD21):c.-51A>T

Genes: RAD21 (RAD21 cohesin complex component; minus strand), RAD21-AS1 (RAD21 antisense RNA 1; plus strand). Cytogenetic location: 8q24.11.
Variant type: single nucleotide variant.
Coding change: c.-51A>T on transcript NM_006265.3 (MANE Select); 51 bases upstream of the start codon, A replaced by T.
Molecular consequence: 5 prime UTR variant. On other transcripts: non-coding transcript variant (1).
Genome position (GRCh38, 1-based): chr8:116,874,629, T>A on the plus strand (A>T on the coding strand, the complement: RAD21 is on the minus strand). VCF-style: chr8-116874629-T-A. GRCh37 (hg19) VCF-style: chr8-117886868-T-A.
Identifiers: ClinVar variation 516238 (VCV000516238.2), dbSNP rs16889189, ClinGen allele CA12819403.
Genomic context (GRCh38, chr8:116,874,629, plus strand): 5'-GAGGGAGCTGGAGGAAAAGAAGGGGTCGGCCGAGTCTCTTACCTTGCTCTCCGCTGGGAG[T>A]TGGGCGGGCTGGGTGGCCCGGGGAGGGGAAAAGGGTCGGGGGAGGGGGTGGGGAAAGGGG-3'

ClinVar aggregate classification (germline): Benign. Review status: criteria provided, multiple submitters, no conflicts (2 of 4 stars). 2 submissions from 2 submitters: Benign (2). Last evaluated 2017-04-28.

Allele frequency attached by ClinVar (database versions not stated): 1000 Genomes Project 30x 0.02733; 1000 Genomes Project 0.02776; TOPMed 0.03032.
gnomAD v4.1: 9,337 of 272,758 alleles (3.4%); highest among the groups gnomAD compares: African/African-American, 10%; 186 homozygotes.

Submissions (2):

GeneDx
Classification: Benign. Last evaluated: 2017-04-28. Review status: criteria provided, single submitter. Criteria: GeneDx Variant Classification (06012015). Collection method: clinical testing. Allele origin: germline. Affected: yes.
Comment: This variant is considered likely benign or benign based on one or more of the following criteria: it is a conservative change, it occurs at a poorly conserved position in the protein, it is predicted to be benign by multiple in silico algorithms, and/or has population frequency not consistent with disease.

Breakthrough Genomics
Classification: Benign. Review status: criteria provided, single submitter. Criteria: ACMG Guidelines, 2015. Collection method: not provided. Allele origin: germline. Inheritance: Autosomal recessive inheritance. Affected: yes.